The following is an entry in ClinVar:

ClinVar aggregate classification (germline): Uncertain significance (1 of 4 stars; one submission).

Conditions:
Progressive sclerosing poliodystrophy (MTDPS4A). Also called: ALPERS PROGRESSIVE INFANTILE POLIODYSTROPHY; ALPERS DIFFUSE DEGENERATION OF CEREBRAL GRAY MATTER WITH HEPATIC CIRRHOSIS; Alpers-Huttenlocher Syndrome; Mitochondrial DNA depletion syndrome 4A (Alpers type); Alpers-Huttenlocher Syndrome (AHS); NEURONAL DEGENERATION OF CHILDHOOD WITH LIVER DISEASE, PROGRESSIVE. Identifiers: Orphanet 726, MedGen C0205710, MONDO:0008758, OMIM 203700.

gnomAD v4.1: 52 of 1,610,578 alleles (0.0032%); highest among the groups gnomAD compares: Non-Finnish European, 0.0043%; no homozygotes.

Submission:

Labcorp Genetics (formerly Invitae), Labcorp
Classification: Uncertain significance for Progressive sclerosing poliodystrophy. Last evaluated: 2024-12-02. Review status: criteria provided, single submitter. Criteria: Invitae Variant Classification Sherloc (09022015). Collection method: clinical testing. Allele origin: germline.
Comment: This sequence change replaces glycine, which is neutral and non-polar, with serine, which is neutral and polar, at codon 723 of the POLG protein (p.Gly723Ser). This variant is not present in population databases (gnomAD no frequency). This variant has not been reported in the literature in individuals affected with POLG-related conditions. ClinVar contains an entry for this variant (Variation ID: 660089). Invitae Evidence Modeling of protein sequence and biophysical properties (such as structural, functional, and spatial information, amino acid conservation, physicochemical variation, residue mobility, and thermodynamic stability) indicates that this missense variant is not expected to disrupt POLG protein function with a negative predictive value of 95%. In summary, the available evidence is currently insufficient to determine the role of this variant in disease. Therefore, it has been classified as a Variant of Uncertain Significance.

NM_002693.3(POLG):c.2167G>A (p.Gly723Ser)

Gene: POLG (DNA polymerase gamma, catalytic subunit; minus strand). Cytogenetic location: 15q26.1.
Variant type: single nucleotide variant.
Coding change: c.2167G>A on transcript NM_002693.3 (MANE Select); coding-DNA position 2167, G replaced by A.
Protein change: p.Gly723Ser; replaces glycine 723 with serine.
Molecular consequence: missense variant.
Genome position (GRCh38, 1-based): chr15:89,323,502, C>T on the plus strand (G>A on the coding strand, the complement: POLG is on the minus strand). VCF-style: chr15-89323502-C-T. GRCh37 (hg19) VCF-style: chr15-89866733-C-T.
Other names: c.2167G>A, p.Gly723Ser (NM_001126131.2); short protein forms G723S.
Identifiers: ClinVar variation 660089 (VCV000660089.9), dbSNP rs762070650, ClinGen allele CA393756929.